The following is an entry in ClinVar:

NM_000052.7(ATP7A):c.466_467insC (p.Lys156fs)

Gene: ATP7A (ATPase copper transporting alpha; plus strand). Cytogenetic location: Xq21.1.
Variant type: Insertion.
Coding change: c.466_467insC on transcript NM_000052.7 (MANE Select); coding-DNA positions 466 to 467, C inserted.
Protein change: p.Lys156fs; shifts the reading frame from lysine 156.
Molecular consequence: frameshift variant.
Genome position: GRCh38 VCF-style: chrX-77988587-A-AC. GRCh37 (hg19) VCF-style: chrX-77244083-A-AC.
Other names: c.466_467insC (NM_000052.6); c.466_467insC, p.Lys156fs (NM_001282224.2); short protein forms K156fs.
Identifiers: ClinVar variation 2003571 (VCV002003571.5), dbSNP rs2522290235, ClinGen allele CA2580101443.
Genomic context (GRCh38, chrX:77,988,587, plus strand): 5'-GCCAATCAGATAAAAGAGCTGGTTCCAGAACTCAGTTTAGATACTGGGACACTGGAGAAA[A>AC]AGTCAGGAGCTTGTGAAGATCATAGTATGGCTCAAGCTGGTGAAGTCGTGCTGAAGATGA-3'

ClinVar aggregate classification (germline): Pathogenic. Review status: criteria provided, multiple submitters, no conflicts (2 of 4 stars). 2 submissions from 2 submitters: Pathogenic (2). Last evaluated 2023-11-27.

Conditions:
Menkes kinky-hair syndrome (MNK). Also called: Copper transport disease; Menkes Disease; Classic Menkes Disease. Identifiers: Orphanet 565, MedGen C0022716, MONDO:0010651, OMIM 309400.
Cutis laxa, X-linked (OHS). Also called: EDS IX; Occipital horn syndrome. Identifiers: Orphanet 198, MedGen C0268353, MONDO:0010572, OMIM 304150.
X-linked distal spinal muscular atrophy type 3. Also called: ATP7A-Related Distal Motor Neuropathy; SPINAL MUSCULAR ATROPHY, DISTAL, X-LINKED RECESSIVE; NEURONOPATHY, DISTAL HEREDITARY MOTOR, X-LINKED; NEUROPATHY, DISTAL HEREDITARY MOTOR, X-LINKED. Identifiers: Orphanet 139557, MedGen C1845359, MONDO:0010338, OMIM 300489.

Submissions (2):

Labcorp Genetics (formerly Invitae), Labcorp
Classification: Pathogenic for X-linked distal spinal muscular atrophy type 3; Cutis laxa, X-linked; Menkes kinky-hair syndrome. Last evaluated: 2023-11-27. Review status: criteria provided, single submitter. Criteria: Invitae Variant Classification Sherloc (09022015). Collection method: clinical testing. Allele origin: germline.
Comment: This sequence change creates a premature translational stop signal (p.Lys156Thrfs*6) in the ATP7A gene. It is expected to result in an absent or disrupted protein product. Loss-of-function variants in ATP7A are known to be pathogenic (PMID: 11241493, 20652413). This variant is not present in population databases (gnomAD no frequency). This variant has not been reported in the literature in individuals affected with ATP7A-related conditions. ClinVar contains an entry for this variant (Variation ID: 2003571). For these reasons, this variant has been classified as Pathogenic.

Women's Health and Genetics/Laboratory Corporation of America, LabCorp
Classification: Pathogenic for Menkes kinky-hair syndrome. Last evaluated: 2023-08-24. Review status: criteria provided, single submitter. Criteria: LabCorp Variant Classification Summary - May 2015. Collection method: clinical testing. Allele origin: germline.
Comment: Variant summary: ATP7A c.466_467insC (p.Lys156ThrfsX6) results in a premature termination codon, predicted to cause a truncation of the encoded protein or absence of the protein due to nonsense mediated decay, which are commonly known mechanisms for disease. Variants downstream of this position have been classified as pathogenic by our laboratory and in ClinVar. The variant was absent in 183241 control chromosomes (gnomAD). To our knowledge, no occurrence of c.466_467insC in individuals affected with Menkes Kinky-Hair Syndrome and no experimental evidence demonstrating its impact on protein function have been reported. One submitter has cited clinical-significance assessments for this variant to ClinVar after 2014 and has classified the variant as pathogenic. Based on the evidence outlined above, the variant was classified as pathogenic.

Literature cited by the submitters: PubMed 11241493 (cited by Labcorp Genetics (formerly Invitae), Labcorp); PubMed 20652413 (cited by Labcorp Genetics (formerly Invitae), Labcorp).